The following is an entry in ClinVar:

ClinVar aggregate classification (germline): Uncertain significance (1 of 4 stars; one submission).

Submission:

Labcorp Genetics (formerly Invitae), Labcorp
Classification: Uncertain significance. Last evaluated: 2026-01-19. Review status: criteria provided, single submitter. Criteria: Invitae Variant Classification Sherloc (09022015). Collection method: clinical testing. Allele origin: germline.
Comment: This sequence change replaces threonine, which is neutral and polar, with isoleucine, which is neutral and non-polar, at codon 1440 of the RAI1 protein (p.Thr1440Ile). This variant is not present in population databases (gnomAD no frequency). This variant has not been reported in the literature in individuals affected with RAI1-related conditions. Invitae Evidence Modeling of protein sequence and biophysical properties (such as structural, functional, and spatial information, amino acid conservation, physicochemical variation, residue mobility, and thermodynamic stability) indicates that this missense variant is not expected to disrupt RAI1 protein function with a negative predictive value of 80%. In summary, the available evidence is currently insufficient to determine the role of this variant in disease. Therefore, it has been classified as a Variant of Uncertain Significance.

NM_030665.4(RAI1):c.4319C>T (p.Thr1440Ile)

Gene: RAI1 (retinoic acid induced 1; plus strand). Cytogenetic location: 17p11.2.
Variant type: single nucleotide variant.
Coding change: c.4319C>T on transcript NM_030665.4 (MANE Select); coding-DNA position 4319, C replaced by T.
Protein change: p.Thr1440Ile; replaces threonine 1440 with isoleucine.
Molecular consequence: missense variant.
Genome position (GRCh38, 1-based): chr17:17,797,267, C>T. VCF-style: chr17-17797267-C-T. GRCh37 (hg19) VCF-style: chr17-17700581-C-T.
Other names: short protein forms T1440I.
Identifiers: ClinVar variation 4743547 (VCV004743547.1).